The following is an entry in ClinVar:

NM_001114753.3(ENG):c.360C>G (p.Tyr120Ter)

Gene: ENG (endoglin; minus strand). Cytogenetic location: 9q34.11.
Variant type: single nucleotide variant.
Coding change: c.360C>G on transcript NM_001114753.3 (MANE Select); coding-DNA position 360, C replaced by G.
Protein change: p.Tyr120Ter; replaces tyrosine 120 with a stop codon.
Molecular consequence: nonsense. On other transcripts: 5 prime UTR variant (1).
Genome position (GRCh38, 1-based): chr9:127,829,687, G>C on the plus strand (C>G on the coding strand, the complement: ENG is on the minus strand). VCF-style: chr9-127829687-G-C. GRCh37 (hg19) VCF-style: chr9-130591966-G-C.
Other names: c.360C>G, p.Tyr120Ter (NM_000118.4, NM_001406715.1); c.-187C>G (NM_001278138.2); short protein forms Y120*.
Identifiers: ClinVar variation 3653333 (VCV003653333.3).

ClinVar aggregate classification (germline): Pathogenic. Review status: criteria provided, multiple submitters, no conflicts (2 of 4 stars). 2 submissions from 2 submitters: Pathogenic (2). Last evaluated 2024-07-06.

Conditions:
Telangiectasia, hereditary hemorrhagic, type 1 (HHT1). Also called: Osler Weber Rendu syndrome type 1; ENG-Related Hereditary Hemorrhagic Telangiectasia. Identifiers: Orphanet 774, MedGen C4551861, MONDO:0008535, OMIM 187300. Disease mechanism: loss of function.
Hereditary hemorrhagic telangiectasia (HHT). Also called: ORW DISEASE; Osler Weber Rendu syndrome; OSLER-RENDU-WEBER DISEASE; Osler hemorrhagic telangiectasia syndrome. Identifiers: Orphanet 774, MedGen C0039445, MONDO:0019180. Disease mechanism: loss of function.

Submissions (2):

Labcorp Genetics (formerly Invitae), Labcorp
Classification: Pathogenic for Hereditary hemorrhagic telangiectasia. Last evaluated: 2024-07-06. Review status: criteria provided, single submitter. Criteria: Invitae Variant Classification Sherloc (09022015). Collection method: clinical testing. Allele origin: germline.
Comment: This sequence change creates a premature translational stop signal (p.Tyr120*) in the ENG gene. It is expected to result in an absent or disrupted protein product. Loss-of-function variants in ENG are known to be pathogenic (PMID: 15879500). This variant is not present in population databases (gnomAD no frequency). This premature translational stop signal has been observed in individual(s) with hereditary haemorrhagic telangiectasia (PMID: 24001356). For these reasons, this variant has been classified as Pathogenic.

ARUP Laboratories, Molecular Genetics and Genomics, ARUP Laboratories
Classification: Pathogenic for Telangiectasia, hereditary hemorrhagic, type 1. Last evaluated: 2024-07-03. Review status: criteria provided, single submitter. Criteria: ARUP Molecular Germline Variant Investigation Process 2024. Collection method: clinical testing. Allele origin: germline.
Comment: The ENG c.360C>G; p.Tyr120Ter variant, to our knowledge, is not reported in the medical literature or gene specific databases. This variant is also absent from the Genome Aggregation Database (v2.1.1), indicating it is not a common polymorphism. Additionally, other variants at this codon (c.360C>A, p.Tyr120Ter) have been reported in individuals with hereditary hemorrhagic telangiectasia and are considered pathogenic (Brusgaard 2004). This variant induces an early termination codon and is predicted to result in a truncated protein or mRNA subject to nonsense-mediated decay. Based on available information, this variant is considered to be pathogenic. References: Brusgaard K et al. Mutations in endoglin and in activin receptor-like kinase 1 among Danish patients with hereditary haemorrhagic telangiectasia. Clin Genet. 2004 Dec;66(6):556-61.

Literature cited by the submitters: PubMed 15879500 (cited by Labcorp Genetics (formerly Invitae), Labcorp); PubMed 24001356 (cited by Labcorp Genetics (formerly Invitae), Labcorp).